The following is an entry in ClinVar:

ClinVar aggregate classification (germline): Pathogenic (1 of 4 stars; one submission).

Conditions:
Primary ciliary dyskinesia 3. Identifiers: Orphanet 244, MedGen C1837618, MONDO:0012085, OMIM 608644.

Submission:

Myriad Genetics, Inc.
Classification: Pathogenic for Primary ciliary dyskinesia 3. Last evaluated: 2023-10-28. Review status: criteria provided, single submitter. Criteria: Myriad Autosomal Dominant, Autosomal Recessive and X-Linked Classification Criteria (2023). Collection method: clinical testing. Allele origin: unknown.
Comment: NM_001369.2(DNAH5):c.13025delA(K4342Rfs*35) is expected to be pathogenic in the context of primary ciliary dyskinesia, DNAH5-related. This variant is predicted to lead to an abnormal or absent protein product due to the creation of a premature termination codon in DNAH5, a gene where loss-of-function variants are known to be pathogenic. Please note: this variant was assessed in the context of healthy population screening.

NM_001369.3(DNAH5):c.13025del (p.Lys4342fs)

Gene: DNAH5 (dynein axonemal heavy chain 5; minus strand). Cytogenetic location: 5p15.2.
Variant type: Deletion.
Coding change: c.13025del on transcript NM_001369.3 (MANE Select); coding-DNA position 13025, one base deleted (A; older notation c.13025delA).
Protein change: p.Lys4342fs; shifts the reading frame from lysine 4342.
Molecular consequence: frameshift variant.
Genome position (GRCh38, 1-based): chr5:13,714,505, T deleted on the plus strand (A on the coding strand, the reverse complement: DNAH5 is on the minus strand); the first of 2 consecutive T bases (chr5:13,714,505-13,714,506); deleting either gives the same sequence. VCF-style (leftmost placement, unchanged base first): chr5-13714504-CT-C. GRCh37 (hg19) VCF-style: chr5-13714613-CT-C.
Other names: short protein forms K4342fs.
Identifiers: ClinVar variation 5012441 (VCV005012441.1).
Genomic context (GRCh38, chr5:13,714,504, plus strand): 5'-ATCATCAGCCAGCCGGGCCACCACCGCCTCCCGGGTCTCATCCCCTCCACCAGAGGTGTC[CT>C]TGGGTTGGATGCCTAGGATGGTGTCCAGCACGTCCTTGGCCAGCTTGCTCTGGTAGGTGA-3'